The following is an entry in ClinVar:

NM_000836.4(GRIN2D):c.3244_3252del (p.Thr1082_Gly1084del)

Gene: GRIN2D (glutamate ionotropic receptor NMDA type subunit 2D; plus strand). Cytogenetic location: 19q13.33.
Variant type: Deletion.
Coding change: c.3244_3252del on transcript NM_000836.4 (MANE Select); coding-DNA positions 3244 to 3252, 9 bases deleted (ACGGGGGGC; older notation c.3244_3252delACGGGGGGC).
Protein change: p.Thr1082_Gly1084del.
Molecular consequence: inframe deletion.
Genome position (GRCh38, 1-based): chr19:48,443,170-48,443,178, ACGGGGGGC deleted; deleting any 9 consecutive bases within chr19:48,443,162-48,443,178 gives the same sequence; the c. name uses the placement nearest the transcript's 3' end. VCF-style (leftmost placement, unchanged base first): chr19-48443161-GCGGGGGGCA-G. GRCh37 (hg19) VCF-style: chr19-48946418-GCGGGGGGCA-G.
Identifiers: ClinVar variation 1428997 (VCV001428997.7), dbSNP rs1600998079, ClinGen allele CA920124258.

ClinVar aggregate classification (germline): Uncertain significance (1 of 4 stars; one submission).

Submission:

Labcorp Genetics (formerly Invitae), Labcorp
Classification: Uncertain significance. Last evaluated: 2025-04-14. Review status: criteria provided, single submitter. Criteria: Invitae Variant Classification Sherloc (09022015). Collection method: clinical testing. Allele origin: germline.
Comment: This variant, c.3244_3252del, results in the deletion of 3 amino acid(s) of the GRIN2D protein (p.Thr1082_Gly1084del), but otherwise preserves the integrity of the reading frame. The frequency data for this variant in the population databases is considered unreliable, as metrics indicate insufficient coverage at this position in the gnomAD database. This variant has not been reported in the literature in individuals affected with GRIN2D-related conditions. ClinVar contains an entry for this variant (Variation ID: 1428997). Experimental studies and prediction algorithms are not available or were not evaluated, and the functional significance of this variant is currently unknown. In summary, the available evidence is currently insufficient to determine the role of this variant in disease. Therefore, it has been classified as a Variant of Uncertain Significance.